The following is an entry in ClinVar:

ClinVar aggregate classification (germline): Pathogenic. Review status: criteria provided, multiple submitters, no conflicts (2 of 4 stars). 3 submissions from 3 submitters: Pathogenic (3). Last evaluated 2016-12-12.

Conditions:
Familial cancer of breast. Also called: hereditary breast carcinoma; BREAST CANCER, FAMILIAL; Hereditary breast cancer. Identifiers: Orphanet 227535, MedGen C0346153, MONDO:0016419, OMIM 114480. Disease mechanism: loss of function.
Hereditary breast ovarian cancer syndrome. Also called: BRCA1- and BRCA2-Associated Hereditary Breast and Ovarian Cancer; Hereditary breast and ovarian cancer syndrome; Hereditary breast and ovarian cancer syndrome (HBOC); Breast and ovarian cancer; Hereditary breast and/or ovarian cancer syndrome; Hereditary breast and ovarian cancer. Identifiers: Orphanet 145, MedGen C0677776, MeSH D061325, MONDO:0003582. Disease mechanism: loss of function.
Breast-ovarian cancer, familial, susceptibility to, 1 (BROVCA1). Also called: BRCA1 Hereditary Breast and Ovarian Cancer; OVARIAN CANCER, SUSCEPTIBILITY TO. Identifiers: Orphanet 145, MedGen C2676676, MONDO:0011450, OMIM 604370. Disease mechanism: loss of function.

Submissions (3):

Labcorp Genetics (formerly Invitae), Labcorp
Classification: Pathogenic for Hereditary breast ovarian cancer syndrome. Last evaluated: 2016-12-12. Review status: criteria provided, single submitter. Criteria: Invitae Variant Classification Sherloc (09022015). Collection method: clinical testing. Allele origin: germline.
Comment: This variant is a gross deletion of the genomic region encompassing exons 12-14 of the BRCA1 gene. This creates a premature translational stop signal and is expected to result in an absent or disrupted protein product. Loss-of-function variants, including exon-level deletions, in BRCA1 are known to be pathogenic. This particular variant has been reported in the literature in individuals affected with breast/ovarian cancer (PMID: 117470134, 20617377, 18431737, 19669600). This variant is also known as a deletion of exons 13-15 in the literature. For these reasons, this variant has been classified as Pathogenic.

Consortium of Investigators of Modifiers of BRCA1/2 (CIMBA), c/o University of Cambridge
Classification: Pathogenic for Breast-ovarian cancer, familial, susceptibility to, 1. Last evaluated: 2015-10-02. Review status: criteria provided, single submitter. Criteria: CIMBA Mutation Classification guidelines May 2016. Collection method: clinical testing. Allele origin: germline.

GeneDx
Classification: Pathogenic for Familial cancer of breast. Review status: criteria provided, single submitter. Criteria: GeneDx Variant Classification (06012015). Collection method: clinical testing. Allele origin: germline.
Comment: whole or partial BRCA1 and BRCA2 large deletions and duplications have been reported in approximately 6-10% of individuals with BRCA-associated Hereditary Breast and Ovarian Cancer (Judkins 2012)

NM_007294.3(BRCA1):c.4186-?_4675+?del

Gene: BRCA1 (BRCA1 DNA repair associated; minus strand). Cytogenetic location: 17q21.31.
Variant type: Deletion.
Coding change: c.4186-?_4675+?del on transcript NM_007294.3.
Other names: Deletion Exons 12-14; c.4186-?_4675+?del (LRG_292t1).
Identifiers: ClinVar variation 89061 (VCV000089061.4).